The following is an entry in ClinVar:

ClinVar aggregate classification (germline): Uncertain significance (1 of 4 stars; one submission).

Allele frequency attached by ClinVar (database versions not stated): 1000 Genomes Project 30x 0.00016; gnomAD exomes below 0.00001; gnomAD 0.00002; TOPMed below 0.00001; 1000 Genomes Project 0.00020.
gnomAD v4.1: 9 of 1,614,202 alleles (0.00056%); highest among the groups gnomAD compares: East Asian, 0.018%; no homozygotes.

Submission:

Labcorp Genetics (formerly Invitae), Labcorp
Classification: Uncertain significance. Last evaluated: 2024-02-24. Review status: criteria provided, single submitter. Criteria: Invitae Variant Classification Sherloc (09022015). Collection method: clinical testing. Allele origin: germline.
Comment: This sequence change replaces glutamine, which is neutral and polar, with glutamic acid, which is acidic and polar, at codon 377 of the COQ6 protein (p.Gln377Glu). This variant is present in population databases (rs551734017, gnomAD 0.03%). This variant has not been reported in the literature in individuals affected with COQ6-related conditions. ClinVar contains an entry for this variant (Variation ID: 1976847). Advanced modeling of protein sequence and biophysical properties (such as structural, functional, and spatial information, amino acid conservation, physicochemical variation, residue mobility, and thermodynamic stability) performed at Invitae indicates that this missense variant is expected to disrupt COQ6 protein function with a positive predictive value of 80%. In summary, the available evidence is currently insufficient to determine the role of this variant in disease. Therefore, it has been classified as a Variant of Uncertain Significance.

NM_182476.3(COQ6):c.1129C>G (p.Gln377Glu)

Genes: COQ6 (coenzyme Q6, monooxygenase; plus strand), ENTPD5 (ectonucleoside triphosphate diphosphohydrolase 5; minus strand). Cytogenetic location: 14q24.3.
Variant type: single nucleotide variant.
Coding change: c.1129C>G on transcript NM_182476.3 (MANE Select); coding-DNA position 1129, C replaced by G.
Protein change: p.Gln377Glu; replaces glutamine 377 with glutamic acid.
Molecular consequence: missense variant. On other transcripts: 3 prime UTR variant (1), intron variant (5).
Genome position (GRCh38, 1-based): chr14:73,961,489, C>G. VCF-style: chr14-73961489-C-G. GRCh37 (hg19) VCF-style: chr14-74428192-C-G.
Other names: c.1129C>G, p.Gln377Glu (NM_001425255.1); c.1021C>G, p.Gln341Glu (NM_001425256.1); c.964C>G, p.Gln322Glu (NM_001425257.1); c.946C>G, p.Gln316Glu (NM_001425258.1); c.904C>G, p.Gln302Glu (NM_001425259.1, NM_001425260.1, NM_001425261.1); c.874C>G, p.Gln292Glu (NM_001425262.1); c.802C>G, p.Gln268Glu (NM_001425263.1); c.589C>G, p.Gln197Glu (NM_001425264.1, NM_001425265.1); and 5 more; short protein forms Q377E, Q352E.
Identifiers: ClinVar variation 1976847 (VCV001976847.5), dbSNP rs551734017, ClinGen allele CA263576857.